The following is an entry in ClinVar:

ClinVar aggregate classification (germline): Benign (1 of 4 stars; one submission).

Conditions:
Colorectal cancer, susceptibility to, 1. Also called: COLORECTAL ADENOMA AND CANCER, SUSCEPTIBILITY TO; COLORECTAL CANCER, SUSCEPTIBILITY TO, ON CHROMOSOME 9. Identifiers: MedGen C1837315, MONDO:0012132, OMIM 608812.

Submission:

Myriad Genetics, Inc.
Classification: Benign for Colorectal cancer, susceptibility to, 1. Last evaluated: 2026-04-22. Review status: criteria provided, single submitter. Criteria: Myriad Autosomal Dominant, Autosomal Recessive and X-Linked Classification Criteria (2023). Collection method: clinical testing. Allele origin: unknown.
Comment: This variant is considered benign. This variant is a silent/synonymous amino acid change and it is not expected to impact splicing.

NM_024642.5(GALNT12):c.204G>A (p.Pro68=)

Gene: GALNT12 (polypeptide N-acetylgalactosaminyltransferase 12; plus strand). Cytogenetic location: 9q22.33.
Variant type: single nucleotide variant.
Coding change: c.204G>A on transcript NM_024642.5 (MANE Select); coding-DNA position 204, G replaced by A.
Protein change: p.Pro68=; no amino-acid change (proline 68 retained).
Molecular consequence: synonymous variant.
Genome position (GRCh38, 1-based): chr9:98,807,902, G>A. VCF-style: chr9-98807902-G-A. GRCh37 (hg19) VCF-style: chr9-101570184-G-A.
Identifiers: ClinVar variation 4875811 (VCV004875811.1).
Genomic context (GRCh38, chr9:98,807,902, plus strand): 5'-CGAGCCGGGACCCCCGCGCACCCCGCGCCCCGGGCGGCGCGAGCCGGTCATGCCGCGGCC[G>A]CCGGTGCCGGCGAACGCGCTGGGCGCGCGGGGCGAGGCGGTGCGGCTGCAGCTGCAGGGC-3'
Protein context (NP_078918.3, residues 58-78): PGRREPVMPR[Pro68=]PVPANALGAR